The following is an entry in ClinVar:

NM_001374736.1(DST):c.19858G>A (p.Asp6620Asn)

Gene: DST (dystonin; minus strand). Cytogenetic location: 6p12.1.
Variant type: single nucleotide variant.
Coding change: c.19858G>A on transcript NM_001374736.1 (MANE Select); coding-DNA position 19858, G replaced by A.
Protein change: p.Asp6620Asn; replaces aspartic acid 6620 with asparagine.
Molecular consequence: missense variant.
Genome position (GRCh38, 1-based): chr6:56,501,118, C>T on the plus strand (G>A on the coding strand, the complement: DST is on the minus strand). VCF-style: chr6-56501118-C-T. GRCh37 (hg19) VCF-style: chr6-56365916-C-T.
Other names: c.13501G>A, p.Asp4501Asn (NM_001144769.5); c.13087G>A, p.Asp4363Asn (NM_001144770.2); c.19858G>A, p.Asp6620Asn (NM_001374722.1); c.18898G>A, p.Asp6300Asn (NM_001374729.1); c.12640G>A, p.Asp4214Asn (NM_001374730.1); c.19885G>A, p.Asp6629Asn (NM_001374734.1); c.11989G>A, p.Asp3997Asn (NM_015548.5); c.12967G>A, p.Asp4323Asn (NM_183380.4); short protein forms D4214N, D4323N, D4501N, D6629N, D6300N, D6620N, D3997N, D4363N.
Identifiers: ClinVar variation 968108 (VCV000968108.8), dbSNP rs2096107643, ClinGen allele CA364520087.
Genomic context (GRCh38, chr6:56,501,118, plus strand): 5'-ACATGCATTAACAGCTACGTACATGATGCTTGGCAAGTTCAATTTCAATGGCTTTAGGGT[C>T]TCCTCCAACAGGTTTCTGCTCACTTAGCAAGCCCTCGGTGTGTGTCAGCCATGCCAGGAG-3'
Protein context (NP_001361665.1, residues 6610-6630): LLSEQKPVGG[Asp6620Asn]PKAIEIELAK

ClinVar aggregate classification (germline): Uncertain significance (1 of 4 stars; one submission).

Conditions:
Hereditary sensory and autonomic neuropathy type 6. Also called: Neuropathy, hereditary sensory and autonomic, type VI; HSAN VI. Identifiers: Orphanet 314381, MedGen C3539003, MONDO:0013839, OMIM 614653.
Epidermolysis bullosa simplex 3, localized or generalized intermediate, with BP230 deficiency (EBS3). Also called: Epidermolysis bullosa simplex, autosomal recessive 2; Epidermolysis bullosa simplex due to BP230 deficiency. Identifiers: Orphanet 412181, MedGen C3809470, MONDO:0014180, OMIM 615425.

Allele frequency attached by ClinVar (database versions not stated): TOPMed below 0.00001.

Submission:

Labcorp Genetics (formerly Invitae), Labcorp
Classification: Uncertain significance for Epidermolysis bullosa simplex 3, localized or generalized intermediate, with BP230 deficiency; Hereditary sensory and autonomic neuropathy type 6. Last evaluated: 2019-02-08. Review status: criteria provided, single submitter. Criteria: Invitae Variant Classification Sherloc (09022015). Collection method: clinical testing. Allele origin: germline.
Comment: This sequence change replaces aspartic acid with asparagine at codon 3997 of the DST protein (p.Asp3997Asn). The aspartic acid residue is highly conserved and there is a small physicochemical difference between aspartic acid and asparagine. The DST gene has multiple clinically relevant transcripts. The p.Asp3997Asn variant occurs in alternate transcript NM_015548.4, which corresponds to c.*114399G>A in NM_001723.5, the primary transcript listed in the Methods. This variant is not present in population databases (ExAC no frequency). This variant has not been reported in the literature in individuals with DST-related conditions. In summary, the available evidence is currently insufficient to determine the role of this variant in disease. Therefore, it has been classified as a Variant of Uncertain Significance. Algorithms developed to predict the effect of missense changes on protein structure and function are either unavailable or do not agree on the potential impact of this missense change (SIFT: "Tolerated"; PolyPhen-2: "Not Available"; Align-GVGD: "Class C0").